The following is an entry in ClinVar:

NM_001304360.2(CFAP74):c.4380_4381dup (p.Phe1461fs)

Gene: CFAP74 (cilia and flagella associated protein 74; minus strand). Cytogenetic location: 1p36.33.
Variant type: Microsatellite.
Coding change: c.4380_4381dup on transcript NM_001304360.2 (MANE Select); coding-DNA positions 4380 to 4381, 2 bases duplicated (CT; older notation c.4380_4381dupCT).
Protein change: p.Phe1461fs; shifts the reading frame from phenylalanine 1461.
Molecular consequence: frameshift variant.
Genome position (GRCh38, 1-based): chr1:1,923,783-1,923,784, AG duplicated on the plus strand (CT on the coding strand, the reverse complement: CFAP74 is on the minus strand); duplicating any 2 consecutive bases within chr1:1,923,783-1,923,786 gives the same sequence; the c. name uses the placement nearest the transcript's 3' end. VCF-style (leftmost placement, unchanged base first): chr1-1923782-A-AAG. GRCh37 (hg19) VCF-style: chr1-1855221-A-AAG.
Other names: short protein forms F1461fs.
Identifiers: ClinVar variation 2443735 (VCV002443735.4), dbSNP rs578234038, ClinGen allele CA532895.

ClinVar aggregate classification (germline): Pathogenic/Likely pathogenic. Review status: criteria provided, multiple submitters, no conflicts (2 of 4 stars). 4 submissions from 4 submitters: Pathogenic (2); Likely pathogenic (1). 1 of the submissions does not count toward it. Last evaluated 2026-04-01.

Conditions:
Primary ciliary dyskinesia. Also called: Ciliary dyskinesia. Identifiers: Orphanet 244, MedGen C0008780, MONDO:0016575, HP:0012265.
Ciliary dyskinesia, primary, 49, without situs inversus (CILD49). Identifiers: MedGen C5774291, MONDO:0859353, OMIM 620197.

Submissions (4):

Department of Human Genetics, Hannover Medical School
Classification: Pathogenic for Primary Ciliary Dyskinesia. Last evaluated: 2026-04-01. Review status: criteria provided, single submitter. Criteria: ACMG Guidelines, 2015. Collection method: research. Allele origin: germline. Affected: no.
Comment: Classification performed by HerediClassify using the following criteria:['PM2_supporting: Variant occures does not occur as homozygous in gnomAD.', 'PVS1_protein_very_strong: Transcript ENST00000682832 is predicted to undergo NMD.', "PP4_moderate: The PICADAR socre of 12.0 exceeds threshold of 8 achieving 'strong' evidence strength."]

Dasa
Classification: Pathogenic. Last evaluated: 2025-04-29. Review status: criteria provided, single submitter. Criteria: DASA Assertion Criteria. Collection method: clinical testing. Allele origin: germline.
Comment: NM_001304360.2(CFAP74):c.4380_4381dup (p.Phe1461Serfs*12) introduces a premature termination codon predicted to result in loss of normal protein function. Loss-of-function is an established mechanism of disease for this gene. This variant has been reported in individuals with related phenotype (PMID: 36047773). The variant is present at low frequency in population datasets. Based on the available data, this variant is classified as pathogenic.

Clinical Genomics Laboratory, Washington University in St. Louis
Classification: Likely pathogenic for Ciliary dyskinesia, primary, 49, without situs inversus. Last evaluated: 2024-01-05. Review status: criteria provided, single submitter. Criteria: ACMG Guidelines, 2015. Collection method: clinical testing. Allele origin: germline.
Comment: The CFAP74 c.4380_4381dup (p.Phe1461SerfsTer12) variant has been observed in two affected siblings with primary ciliary dyskinesia, both of which were compound heterozygous for the variant and a pathogenic variant confirmed in trans (Biebach L et al., PMID: 36047773). The highest population minor allele frequency in the population database genome aggregation database (v.2.1.1) is 0.20% in the European non-Finnish population. Based on available information and the ACMG/AMP guidelines for variant interpretation (Richards S et al., PMID: 25741868), this variant is classified as likely pathogenic.

OMIM
Classification: Pathogenic for CILIARY DYSKINESIA, PRIMARY, 49, WITHOUT SITUS INVERSUS. Last evaluated: 2023-01-12. Review status: no assertion criteria provided. Collection method: literature only. Allele origin: germline. Not counted in ClinVar's aggregate classification.

Literature cited by the submitters: PubMed 36047773 (cited by Dasa and OMIM).